The following is an entry in ClinVar:

NM_001330260.2(SCN8A):c.1841A>G (p.Tyr614Cys)

Gene: SCN8A (sodium voltage-gated channel alpha subunit 8; plus strand). Cytogenetic location: 12q13.13.
Variant type: single nucleotide variant.
Coding change: c.1841A>G on transcript NM_001330260.2 (MANE Select); coding-DNA position 1841, A replaced by G.
Protein change: p.Tyr614Cys; replaces tyrosine 614 with cysteine.
Molecular consequence: missense variant.
Genome position (GRCh38, 1-based): chr12:51,721,751, A>G. VCF-style: chr12-51721751-A-G. GRCh37 (hg19) VCF-style: chr12-52115535-A-G.
Other names: c.1841A>G, p.Tyr614Cys (NM_001177984.3, NM_001369788.1, NM_014191.4); c.1841A>G (NM_001330260.1, NM_014191.3); short protein forms Y614C.
Identifiers: ClinVar variation 3001246 (VCV003001246.5), dbSNP rs2540204230, ClinGen allele CA385229700.

ClinVar aggregate classification (germline): Uncertain significance. Review status: criteria provided, multiple submitters, no conflicts (2 of 4 stars). 2 submissions from 2 submitters: Uncertain significance (2). Last evaluated 2025-05-27.

Conditions:
Early-infantile DEE. Also called: Early infantile epileptic encephalopathy; Ohtahara syndrome; Early infantile epileptic encephalopathy with suppression bursts. Identifiers: Orphanet 1934, MedGen C0393706, MONDO:0800491.

gnomAD v4.1: 1 of 1,606,814 alleles (0.000062%); no homozygotes.

Submissions (2):

GeneDx
Classification: Uncertain significance. Last evaluated: 2025-05-27. Review status: criteria provided, single submitter. Criteria: GeneDx Variant Classification Process June 2021. Collection method: clinical testing. Allele origin: germline.
Comment: Not observed at significant frequency in large population cohorts (gnomAD); In silico analysis suggests that this missense variant does not alter protein structure/function; This substitution is predicted to be within the cytoplasmic loop between the first and second homologous domains; Has not been previously published as pathogenic or benign to our knowledge

Labcorp Genetics (formerly Invitae), Labcorp
Classification: Uncertain significance for Early-infantile DEE. Last evaluated: 2023-12-25. Review status: criteria provided, single submitter. Criteria: Invitae Variant Classification Sherloc (09022015). Collection method: clinical testing. Allele origin: germline.
Comment: This sequence change replaces tyrosine, which is neutral and polar, with cysteine, which is neutral and slightly polar, at codon 614 of the SCN8A protein (p.Tyr614Cys). This variant is not present in population databases (gnomAD no frequency). This missense change has been observed in individual(s) with clinical features of developmental and epileptic encephalopathy (Invitae). Advanced modeling of protein sequence and biophysical properties (such as structural, functional, and spatial information, amino acid conservation, physicochemical variation, residue mobility, and thermodynamic stability) performed at Invitae indicates that this missense variant is not expected to disrupt SCN8A protein function with a negative predictive value of 95%. In summary, the available evidence is currently insufficient to determine the role of this variant in disease. Therefore, it has been classified as a Variant of Uncertain Significance.